The following is an entry in ClinVar:

ClinVar aggregate classification (germline): Uncertain significance (1 of 4 stars; one submission).

Allele frequency attached by ClinVar (database versions not stated): TOPMed below 0.00001; gnomAD 0.00001; gnomAD exomes 0.00001.

Submission:

Labcorp Genetics (formerly Invitae), Labcorp
Classification: Uncertain significance. Last evaluated: 2023-03-13. Review status: criteria provided, single submitter. Criteria: Invitae Variant Classification Sherloc (09022015). Collection method: clinical testing. Allele origin: germline.
Comment: This variant has not been reported in the literature in individuals affected with HYOU1-related conditions. In summary, the available evidence is currently insufficient to determine the role of this variant in disease. Therefore, it has been classified as a Variant of Uncertain Significance. This variant is present in population databases (rs782758400, gnomAD 0.002%). This sequence change falls in intron 7 of the HYOU1 gene. It does not directly change the encoded amino acid sequence of the HYOU1 protein.

NM_006389.5(HYOU1):c.679-20T>G

Gene: HYOU1 (hypoxia up-regulated 1; minus strand). Cytogenetic location: 11q23.3.
Variant type: single nucleotide variant.
Coding change: c.679-20T>G on transcript NM_006389.5 (MANE Select); 20 bases into the intron before coding-DNA position 679, T replaced by G.
Molecular consequence: intron variant.
Genome position (GRCh38, 1-based): chr11:119,054,256, A>C on the plus strand (T>G on the coding strand, the complement: HYOU1 is on the minus strand). VCF-style: chr11-119054256-A-C. GRCh37 (hg19) VCF-style: chr11-118924968-A-C.
Other names: c.679-20T>G (NM_001130991.3, NM_001411041.1).
Identifiers: ClinVar variation 2805151 (VCV002805151.3), dbSNP rs782758400, ClinGen allele CA229647796.
Genomic context (GRCh38, chr11:119,054,256, plus strand): 5'-CATACGGTGCTGCCTGAGCCCATGTCATAGAACATGATATTCTGTAGAGATATCAAGGCA[A>C]CTGTCACAGGAACCTTCTCAAACTCCAGGGGGCCTGCCTGCCCACCCACCTGCTTCCAAT-3'